The following is an entry in ClinVar:

NM_005739.4(RASGRP1):c.2238T>C (p.Pro746=)

Gene: RASGRP1 (RAS guanyl releasing protein 1; minus strand). Cytogenetic location: 15q14.
Variant type: single nucleotide variant.
Coding change: c.2238T>C on transcript NM_005739.4 (MANE Select); coding-DNA position 2238, T replaced by C.
Protein change: p.Pro746=; no amino-acid change (proline 746 retained).
Molecular consequence: synonymous variant. On other transcripts: intron variant (1).
Genome position (GRCh38, 1-based): chr15:38,494,403, A>G on the plus strand (T>C on the coding strand, the complement: RASGRP1 is on the minus strand). VCF-style: chr15-38494403-A-G. GRCh37 (hg19) VCF-style: chr15-38786604-A-G.
Other names: c.2133T>C, p.Pro711= (NM_001128602.2); c.1769-3715T>C (NM_001306086.2).
Identifiers: ClinVar variation 1929632 (VCV001929632.6), dbSNP rs1293689865, ClinGen allele CA489686402.

ClinVar aggregate classification (germline): Likely benign. Review status: criteria provided, multiple submitters, no conflicts (2 of 4 stars). 2 submissions from 2 submitters: Likely benign (2). Last evaluated 2026-07-01.

Allele frequency attached by ClinVar (database versions not stated): gnomAD exomes 0.00001; gnomAD 0.00002.
gnomAD v4.1: 12 of 1,613,854 alleles (0.00074%); highest among the groups gnomAD compares: Non-Finnish European, 0.00093%; no homozygotes.

Submissions (2):

CeGaT Center for Human Genetics Tuebingen
Classification: Likely benign. Last evaluated: 2026-07-01. Review status: criteria provided, single submitter. Criteria: CeGaT Center For Human Genetics Tuebingen Variant Classification Criteria Version 2. Collection method: clinical testing. Allele origin: germline. Affected: yes. Observed: 1 variant allele.
Comment: RASGRP1: BP4, BP7

Labcorp Genetics (formerly Invitae), Labcorp
Classification: Likely benign. Last evaluated: 2025-08-21. Review status: criteria provided, single submitter. Criteria: Invitae Variant Classification Sherloc (09022015). Collection method: clinical testing. Allele origin: germline.